The following is an entry in ClinVar:

ClinVar aggregate classification (germline): Conflicting classifications of pathogenicity. Review status: criteria provided, conflicting classifications (1 of 4 stars). 5 submissions from 5 submitters: Uncertain significance (3); Likely benign (2). Last evaluated 2026-03-27.

Conditions:
Cardiovascular phenotype. Identifiers: MedGen CN230736.
Dilated cardiomyopathy 1DD (CMD1DD). Identifiers: Orphanet 154, MedGen C2750995, MONDO:0013168, OMIM 613172.

Allele frequency attached by ClinVar (database versions not stated): gnomAD exomes 0.00005 and 0.00001; TOPMed 0.00020; gnomAD 0.00018 and 0.00016; 1000 Genomes Project 30x 0.00031; 1000 Genomes Project 0.00020.
gnomAD v4.1: 41 of 1,448,140 alleles (0.0028%); highest among the groups gnomAD compares: African/African-American, 0.056%; no homozygotes.

Submissions (5):

Molecular Diagnostic Laboratory for Inherited Cardiovascular Disease, Montreal Heart Institute
Classification: Likely benign. Last evaluated: 2026-03-27. Review status: criteria provided, single submitter. Criteria: ACMG Guidelines, 2015. Collection method: clinical testing. Allele origin: germline. Affected: no.
Comment: BS1;BP4

Labcorp Genetics (formerly Invitae), Labcorp
Classification: Likely benign for Dilated cardiomyopathy 1DD. Last evaluated: 2026-02-04. Review status: criteria provided, single submitter. Criteria: Invitae Variant Classification Sherloc (09022015). Collection method: clinical testing. Allele origin: germline.

GeneDx
Classification: Uncertain significance. Last evaluated: 2025-02-11. Review status: criteria provided, single submitter. Criteria: GeneDx Variant Classification Process June 2021. Collection method: clinical testing. Allele origin: germline. Affected: yes.
Comment: In silico analysis indicates that this missense variant does not alter protein structure/function; This variant is associated with the following publications: (PMID: 31648988)

Ambry Genetics
Classification: Uncertain significance for Cardiovascular phenotype. Last evaluated: 2024-10-08. Review status: criteria provided, single submitter. Criteria: Ambry Variant Classification Scheme 2023. Collection method: clinical testing. Allele origin: germline.
Comment: The p.N849K variant (also known as c.2547T>A), located in coding exon 9 of the RBM20 gene, results from a T to A substitution at nucleotide position 2547. The asparagine at codon 849 is replaced by lysine, an amino acid with similar properties. This amino acid position is not well conserved in available vertebrate species. In addition, this alteration is predicted to be tolerated by in silico analysis. Since supporting evidence is limited at this time, the clinical significance of this alteration remains unclear.

Women's Health and Genetics/Laboratory Corporation of America, LabCorp
Classification: Uncertain significance. Last evaluated: 2022-08-07. Review status: criteria provided, single submitter. Criteria: LabCorp Variant Classification Summary - May 2015. Collection method: clinical testing. Allele origin: germline.
Comment: Variant summary: RBM20 c.2547T>A (p.Asn849Lys) results in a non-conservative amino acid change in the encoded protein sequence. Four of five in-silico tools predict a benign effect of the variant on protein function. The variant allele was found at a frequency of 5e-05 in 80464 control chromosomes (gnomAD). The available data on variant occurrences in the general population are insufficient to allow any conclusion about variant significance. c.2547T>A has been reported in at-least one individual from the Percutaneous Stem Cell Injection Delivery Effects On Neomyogenesisin Dilated Cardiomyopathy trial (POSEIDON-DCM; NCT01392625) and authors classified the variant as VUS (Rieger_2019). This report does not provide unequivocal conclusions about association of the variant with Dilated Cardiomyopathy. To our knowledge, no experimental evidence demonstrating an impact on protein function has been reported. Two clinical diagnostic laboratories have submitted clinical-significance assessments for this variant to ClinVar after 2014and classified the variant as likely benign, and as uncertain significance. Based on the evidence outlined above, the variant was classified as uncertain significance.

Literature cited by the submitters: PubMed 31648988 (cited by Women's Health and Genetics/Laboratory Corporation of America, LabCorp).

NM_001134363.3(RBM20):c.2547T>A (p.Asn849Lys)

Gene: RBM20 (RNA binding motif protein 20; plus strand). Cytogenetic location: 10q25.2.
Variant type: single nucleotide variant.
Coding change: c.2547T>A on transcript NM_001134363.3 (MANE Select); coding-DNA position 2547, T replaced by A.
Protein change: p.Asn849Lys; replaces asparagine 849 with lysine.
Molecular consequence: missense variant.
Genome position (GRCh38, 1-based): chr10:110,812,944, T>A. VCF-style: chr10-110812944-T-A. GRCh37 (hg19) VCF-style: chr10-112572702-T-A.
Other names: c.2547T>A (LRG_382t1); short protein forms N849K.
Identifiers: ClinVar variation 202048 (VCV000202048.16), dbSNP rs562882648, ClinGen allele CA335520.
Genomic context (GRCh38, chr10:110,812,944, plus strand): 5'-GAGAACTGATAGAGACCAAGAAGGAGCTGATGATAGAAAAGAAAACACAATGGCAGAGAA[T>A]GAGGTAATGATCAATTTCTTCCCCAGGTAAGGCGAGGCAGGCCCTGAAGGAGAATAATCA-3'
Protein context (NP_001127835.2, residues 839-859): DDRKENTMAE[Asn849Lys]EAGKEEQEGM